The following is an entry in ClinVar:

NM_017514.5(PLXNA3):c.1808G>A (p.Arg603Gln)

Gene: PLXNA3 (plexin A3; plus strand). Cytogenetic location: Xq28.
Variant type: single nucleotide variant.
Coding change: c.1808G>A on transcript NM_017514.5 (MANE Select); coding-DNA position 1808, G replaced by A.
Protein change: p.Arg603Gln; replaces arginine 603 with glutamine.
Molecular consequence: missense variant.
Genome position (GRCh38, 1-based): chrX:154,464,293, G>A. VCF-style: chrX-154464293-G-A. GRCh37 (hg19) VCF-style: chrX-153692636-G-A.
Other names: c.1808G>A (NM_017514.3); short protein forms R603Q.
Identifiers: ClinVar variation 2628998 (VCV002628998.4), dbSNP rs184926947, ClinGen allele CA10564174.

ClinVar aggregate classification (germline): Likely benign. Review status: criteria provided, single submitter (1 of 4 stars). 2 submissions from 2 submitters: Likely benign (1). 1 of the submissions does not count toward it. Last evaluated 2023-12-21.

Conditions:
PLXNA3-related disorder. Also called: PLXNA3-related condition.

Allele frequency attached by ClinVar (database versions not stated): gnomAD 0.00004; TOPMed 0.00005; ExAC 0.00008; 1000 Genomes Project 30x 0.00021; 1000 Genomes Project 0.00026.
gnomAD v4.1: 46 of 1,206,853 alleles (0.0038%); highest among the groups gnomAD compares: East Asian, 0.012%; no homozygotes.

Submissions (2):

Ambry Genetics
Classification: Likely benign. Last evaluated: 2023-12-21. Review status: criteria provided, single submitter. Criteria: Ambry Variant Classification Scheme 2023. Collection method: clinical testing. Allele origin: germline.

PreventionGenetics, part of Exact Sciences
Classification: Uncertain significance for PLXNA3-related condition. Last evaluated: 2024-06-25. Review status: no assertion criteria provided. Collection method: clinical testing. Allele origin: germline. Not counted in ClinVar's aggregate classification.
Comment: The PLXNA3 c.1808G>A variant is predicted to result in the amino acid substitution p.Arg603Gln. To our knowledge, this variant has not been reported in the literature. This variant is reported in 0.041% of alleles in individuals of East Asian descent in gnomAD, including 4 hemizygotes, which may be too frequent to be a primary cause of disease. Although we suspect that this variant may be benign, at this time, the clinical significance of this variant is uncertain due to the absence of conclusive functional and genetic evidence.